The following is an entry in ClinVar:

NM_032776.3(JMJD1C):c.2459C>T (p.Ala820Val)

Gene: JMJD1C (jumonji domain containing 1C; minus strand). Cytogenetic location: 10q21.3.
Variant type: single nucleotide variant.
Coding change: c.2459C>T on transcript NM_032776.3 (MANE Select); coding-DNA position 2459, C replaced by T.
Protein change: p.Ala820Val; replaces alanine 820 with valine.
Molecular consequence: missense variant. On other transcripts: non-coding transcript variant (1).
Genome position (GRCh38, 1-based): chr10:63,213,708, G>A on the plus strand (C>T on the coding strand, the complement: JMJD1C is on the minus strand). VCF-style: chr10-63213708-G-A. GRCh37 (hg19) VCF-style: chr10-64973468-G-A.
Other names: c.1913C>T, p.Ala638Val (NM_001282948.2, NM_001318154.2); c.1595C>T, p.Ala532Val (NM_001318153.2); c.2345C>T, p.Ala782Val (NM_001322252.2); c.1802C>T, p.Ala601Val (NM_001322254.2, NM_001322258.2); short protein forms A601V, A532V, A782V, A638V, A820V.
Identifiers: ClinVar variation 657618 (VCV000657618.10), dbSNP rs1589165326, ClinGen allele CA377045072.
Genomic context (GRCh38, chr10:63,213,708, plus strand): 5'-TGGTGCTGTAACAACTGTTGTTGTTGCTGGTGTGCTAGCGCTAAGTGGCTCAAGCTGCTG[G>A]CATGAGCACTCTCTAGTCGTGGGTGGCCACCAAGTAAGGAGGCAGTAGGCACTCCAGGTA-3'
Protein context (NP_116165.1, residues 810-830): GGHPRLESAH[Ala820Val]SSLSHLALAH

ClinVar aggregate classification (germline): Uncertain significance (1 of 4 stars; one submission).

Conditions:
Early Myoclonic Encephalopathy. Identifiers: MedGen C0270855.

Submission:

Labcorp Genetics (formerly Invitae), Labcorp
Classification: Uncertain significance for Early Myoclonic Encephalopathy. Last evaluated: 2020-01-21. Review status: criteria provided, single submitter. Criteria: Invitae Variant Classification Sherloc (09022015). Collection method: clinical testing. Allele origin: germline.
Comment: This variant has not been reported in the literature in individuals with JMJD1C-related disease. Algorithms developed to predict the effect of missense changes on protein structure and function are either unavailable or do not agree on the potential impact of this missense change (SIFT: "Deleterious"; PolyPhen-2: "Possibly Damaging"; Align-GVGD: "Class C0"). In summary, the available evidence is currently insufficient to determine the role of this variant in disease. Therefore, it has been classified as a Variant of Uncertain Significance. This variant is not present in population databases (ExAC no frequency). This sequence change replaces alanine with valine at codon 820 of the JMJD1C protein (p.Ala820Val). The alanine residue is moderately conserved and there is a small physicochemical difference between alanine and valine.